The following is an entry in ClinVar:

NM_001365276.2(TNXB):c.677G>A (p.Gly226Glu)

Gene: TNXB (tenascin XB; minus strand). Cytogenetic location: 6p21.33.
Variant type: single nucleotide variant.
Coding change: c.677G>A on transcript NM_001365276.2 (MANE Select); coding-DNA position 677, G replaced by A.
Protein change: p.Gly226Glu; replaces glycine 226 with glutamic acid.
Molecular consequence: missense variant.
Genome position (GRCh38, 1-based): chr6:32,097,176, C>T on the plus strand (G>A on the coding strand, the complement: TNXB is on the minus strand). VCF-style: chr6-32097176-C-T. GRCh37 (hg19) VCF-style: chr6-32064953-C-T.
Other names: c.677G>A, p.Gly226Glu (NM_019105.8); short protein forms G226E.
Identifiers: ClinVar variation 1755390 (VCV001755390.2), dbSNP rs2483765327, ClinGen allele CA363485894.

ClinVar aggregate classification (germline): Uncertain significance (1 of 4 stars; one submission).

Conditions:
Cardiovascular phenotype. Identifiers: MedGen CN230736.

Allele frequency attached by ClinVar (database versions not stated): gnomAD exomes 0.00001.
gnomAD v4.1: 9 of 1,596,548 alleles (0.00056%); highest among the groups gnomAD compares: Non-Finnish European, 0.00068%; no homozygotes.

Submission:

Ambry Genetics
Classification: Uncertain significance for Cardiovascular phenotype. Last evaluated: 2021-06-12. Review status: criteria provided, single submitter. Criteria: Ambry Variant Classification Scheme 2023. Collection method: clinical testing. Allele origin: germline.
Comment: The p.G226E variant (also known as c.677G>A), located in coding exon 2 of the TNXB gene, results from a G to A substitution at nucleotide position 677. The glycine at codon 226 is replaced by glutamic acid, an amino acid with similar properties. This amino acid position is conserved. In addition, this alteration is predicted to be deleterious by in silico analysis. Since supporting evidence is limited at this time, the clinical significance of this alteration remains unclear.